The following is an entry in ClinVar:

NM_206965.2(FTCD):c.532G>T (p.Ala178Ser)

Genes: FTCD-AS1 (FTCD antisense RNA 1; plus strand), FTCD (formimidoyltransferase cyclodeaminase; minus strand). Cytogenetic location: 21q22.3.
Variant type: single nucleotide variant.
Coding change: c.532G>T on transcript NM_206965.2 (MANE Select); coding-DNA position 532, G replaced by T.
Protein change: p.Ala178Ser; replaces alanine 178 with serine.
Molecular consequence: missense variant.
Genome position (GRCh38, 1-based): chr21:46,151,662, C>A on the plus strand (G>T on the coding strand, the complement: FTCD is on the minus strand). VCF-style: chr21-46151662-C-A. GRCh37 (hg19) VCF-style: chr21-47571576-C-A.
Other names: c.532G>T, p.Ala178Ser (NM_001320412.2, NM_006657.3); c.532G>T (NM_006657.2); short protein forms A178S.
Identifiers: ClinVar variation 998469 (VCV000998469.7), dbSNP rs911364543, ClinGen allele CA321966453.

ClinVar aggregate classification (germline): Uncertain significance. Review status: criteria provided, multiple submitters, no conflicts (2 of 4 stars). 2 submissions from 2 submitters: Uncertain significance (2). Last evaluated 2024-02-26.

Conditions:
Inborn genetic diseases. Identifiers: MedGen C0950123, MeSH D030342.
Glutamate formiminotransferase deficiency. Also called: Formiminoglutamic aciduria; Arakawa syndrome 1. Identifiers: Orphanet 51208, MedGen C0268609, MONDO:0009240, OMIM 229100.

Allele frequency attached by ClinVar (database versions not stated): gnomAD exomes below 0.00001; gnomAD 0.00006; TOPMed 0.00011.
gnomAD v4.1: 21 of 1,612,860 alleles (0.0013%); highest among the groups gnomAD compares: Admixed American, 0.032%; no homozygotes.

Submissions (2):

Ambry Genetics
Classification: Uncertain significance for Inborn genetic diseases. Last evaluated: 2024-02-26. Review status: criteria provided, single submitter. Criteria: Ambry Variant Classification Scheme 2023. Collection method: clinical testing. Allele origin: germline.

Labcorp Genetics (formerly Invitae), Labcorp
Classification: Uncertain significance for Glutamate formiminotransferase deficiency. Last evaluated: 2021-08-28. Review status: criteria provided, single submitter. Criteria: Invitae Variant Classification Sherloc (09022015). Collection method: clinical testing. Allele origin: germline.
Comment: This sequence change replaces alanine with serine at codon 178 of the FTCD protein (p.Ala178Ser). The alanine residue is highly conserved and there is a moderate physicochemical difference between alanine and serine. This variant is not present in population databases (ExAC no frequency). This variant has not been reported in the literature in individuals affected with FTCD-related conditions. Algorithms developed to predict the effect of missense changes on protein structure and function (SIFT, PolyPhen-2, Align-GVGD) all suggest that this variant is likely to be disruptive. In summary, the available evidence is currently insufficient to determine the role of this variant in disease. Therefore, it has been classified as a Variant of Uncertain Significance.